The following is an entry in ClinVar:

NM_004999.4(MYO6):c.1257T>A (p.Ala419=)

Gene: MYO6 (myosin VI; plus strand). Cytogenetic location: 6q14.1.
Variant type: single nucleotide variant.
Coding change: c.1257T>A on transcript NM_004999.4 (MANE Select); coding-DNA position 1257, T replaced by A.
Protein change: p.Ala419=; no amino-acid change (alanine 419 retained).
Molecular consequence: synonymous variant. On other transcripts: non-coding transcript variant (1).
Genome position (GRCh38, 1-based): chr6:75,857,130, T>A. VCF-style: chr6-75857130-T-A. GRCh37 (hg19) VCF-style: chr6-76566847-T-A.
Other names: c.1257T>A, p.Ala419= (NM_001300899.2, NM_001368136.1, NM_001368137.1 and 2 more transcripts); c.1242T>A, p.Ala414= (NM_001368138.1).
Identifiers: ClinVar variation 3355300 (VCV003355300.1).
Genomic context (GRCh38, chr6:75,857,130, plus strand): 5'-TTTTACTAGCATAGTTTTCTTTTATAGGGTACCTCTGAAAGTGGAGCAAGCAAACAATGC[T>A]CGTGATGCCCTGGCAAAGACAGTGTATAGCCATCTTTTTGATCATGTGGTAAACAGAGTA-3'
Protein context (NP_004990.3, residues 409-429): VPLKVEQANN[Ala419=]RDALAKTVYS

ClinVar aggregate classification (germline): Likely benign (0 of 4 stars; one submission).

Conditions:
MYO6-related disorder. Also called: MYO6-related condition; MYO6-related disorders.

gnomAD v4.1: 9 of 1,613,952 alleles (0.00056%); highest among the groups gnomAD compares: Admixed American, 0.0067%; no homozygotes.

Submission:

PreventionGenetics, part of Exact Sciences
Classification: Likely benign for MYO6-related condition. Last evaluated: 2019-09-30. Review status: no assertion criteria provided. Collection method: clinical testing. Allele origin: germline.
Comment: This variant is classified as likely benign based on ACMG/AMP sequence variant interpretation guidelines (Richards et al. 2015 PMID: 25741868, with internal and published modifications).